The following is an entry in ClinVar:

ClinVar aggregate classification (germline): Uncertain significance. Review status: criteria provided, single submitter (1 of 4 stars). 2 submissions from 2 submitters: Uncertain significance (1). 1 of the submissions does not count toward it. Last evaluated 2023-03-01.

Conditions:
Optic atrophy. Identifiers: MedGen C0029124, MONDO:0003608, HP:0000648.

Submissions (2):

CeGaT Center for Human Genetics Tuebingen
Classification: Uncertain significance. Last evaluated: 2023-03-01. Review status: criteria provided, single submitter. Criteria: CeGaT Center For Human Genetics Tuebingen Variant Classification Criteria Version 2. Collection method: clinical testing. Allele origin: germline. Affected: yes. Observed: 1 variant allele.
Comment: MTRFR: PM2, PVS1:Moderate

Institute of Human Genetics, Univ. Regensburg, Univ. Regensburg
Classification: Likely pathogenic for Optic atrophy. Last evaluated: 2020-01-01. Review status: no assertion criteria provided. Criteria: ACMG Guidelines, 2015. Collection method: clinical testing. Allele origin: germline. Affected: yes. Not counted in ClinVar's aggregate classification.

NM_152269.5(MTRFR):c.433_457del (p.Ala145fs)

Gene: MTRFR (mitochondrial translation release factor in rescue; plus strand). Cytogenetic location: 12q24.31.
Variant type: Deletion.
Coding change: c.433_457del on transcript NM_152269.5 (MANE Select); coding-DNA positions 433 to 457, 25 bases deleted (GCAAAGGAAACCCTGGAAAAAAAGA).
Protein change: p.Ala145fs; shifts the reading frame from alanine 145.
Molecular consequence: frameshift variant.
Genome position (GRCh38, 1-based): chr12:123,256,963-123,256,987, GCAAAGGAAACCCTGGAAAAAAAGA deleted; deleting any 25 consecutive bases within chr12:123,256,952-123,256,987 gives the same sequence; the c. name uses the placement nearest the transcript's 3' end. VCF-style (leftmost placement, unchanged base first): chr12-123256951-AGGAAAAAAAGAGCAAAGGAAACCCT-A. GRCh37 (hg19) VCF-style: chr12-123741498-AGGAAAAAAAGAGCAAAGGAAACCCT-A.
Other names: c.433_457del, p.Ala145fs (NM_001143905.2, NM_001194995.1); short protein forms A145fs.
Identifiers: ClinVar variation 2498572 (VCV002498572.28), dbSNP rs2547600398, ClinGen allele CA2580085935.